The following is an entry in ClinVar:

NM_000138.5(FBN1):c.2902_2920del (p.Thr968fs)

Gene: FBN1 (fibrillin 1; minus strand). Cytogenetic location: 15q21.1.
Variant type: Deletion.
Coding change: c.2902_2920del on transcript NM_000138.5 (MANE Select); coding-DNA positions 2902 to 2920, 19 bases deleted (ACCCTGCCTATTGCTGGCC).
Protein change: p.Thr968fs; shifts the reading frame from threonine 968.
Molecular consequence: frameshift variant.
Genome position (GRCh38, 1-based): chr15:48,490,013-48,490,031, GGCCAGCAATAGGCAGGGT deleted on the plus strand (ACCCTGCCTATTGCTGGCC on the coding strand, the reverse complement: FBN1 is on the minus strand); deleting any 19 consecutive bases within chr15:48,490,013-48,490,032 gives the same sequence; the c. name uses the placement nearest the transcript's 3' end. VCF-style (leftmost placement, unchanged base first): chr15-48490012-CGGCCAGCAATAGGCAGGGT-C. GRCh37 (hg19) VCF-style: chr15-48782209-CGGCCAGCAATAGGCAGGGT-C.
Other names: c.2902_2920delACCCTGCCTATTGCTGGCC (NM_000138.4); c.2902_2920del19 (NM_000138.4); short protein forms T968fs.
Identifiers: ClinVar variation 419285 (VCV000419285.2), dbSNP rs1064793770, ClinGen allele CA16619964.

ClinVar aggregate classification (germline): Pathogenic (1 of 4 stars; one submission).

Submission:

GeneDx
Classification: Pathogenic. Last evaluated: 2016-06-01. Review status: criteria provided, single submitter. Criteria: GeneDx Variant Classification (06012015). Collection method: clinical testing. Allele origin: germline. Affected: yes.
Comment: The c.2902_2920del19 deletion in the FBN1 gene has not been reported previously as a pathogenic variant nor as a benign polymorphism, to our knowledge. The c.2902_2920del19 deletion causes aframeshift starting with codon Threonine 968, changes this amino acid to an Alanine residue, and creates apremature Stop codon at position 25 of the new reading frame, denoted p.Thr968AlafsX25. This deletionis predicted to cause loss of normal protein function either through protein truncation or nonsense-mediatedmRNA decay. The c.2902_2920del19 variant was not observed in approximately 6,500 individuals ofEuropean and African American ancestry in the NHLBI Exome Sequencing Project, indicating it is not acommon benign variant in these populations. We interpret c.2902_2920del19 as a pathogenic variant.